The following is an entry in ClinVar:

ClinVar aggregate classification (germline): Uncertain significance. Review status: criteria provided, multiple submitters, no conflicts (2 of 4 stars). 2 submissions from 2 submitters: Uncertain significance (2). Last evaluated 2024-01-01.

Conditions:
Senior-Loken syndrome 9 (SLSN9). Identifiers: Orphanet 3156, MedGen C4225263, MONDO:0014712, OMIM 616629.

gnomAD v4.1: 11 of 1,542,808 alleles (0.00071%); highest among the groups gnomAD compares: Middle Eastern, 0.07%; no homozygotes.

Submissions (2):

Daryl Scott Lab, Baylor College of Medicine
Classification: Uncertain significance for Senior-Loken syndrome 9. Last evaluated: 2024-01-01. Review status: criteria provided, single submitter. Criteria: ACMG Guidelines, 2015. Collection method: clinical testing. Allele origin: biparental. Observed: 1 homozygote.
Comment: PM2

Revvity Omics, Revvity
Classification: Uncertain significance for Senior-Loken syndrome 9. Last evaluated: 2022-08-25. Review status: criteria provided, single submitter. Criteria: ACMG Guidelines, 2015. Collection method: clinical testing. Allele origin: germline.

NM_015650.4(TRAF3IP1):c.812G>A (p.Arg271Gln)

Gene: TRAF3IP1 (TRAF3 interacting protein 1; plus strand). Cytogenetic location: 2q37.3.
Variant type: single nucleotide variant.
Coding change: c.812G>A on transcript NM_015650.4 (MANE Select); coding-DNA position 812, G replaced by A.
Protein change: p.Arg271Gln; replaces arginine 271 with glutamine.
Molecular consequence: missense variant.
Genome position (GRCh38, 1-based): chr2:238,329,239, G>A. VCF-style: chr2-238329239-G-A. GRCh37 (hg19) VCF-style: chr2-239237880-G-A.
Other names: c.812G>A, p.Arg271Gln (NM_001139490.1); short protein forms R271Q.
Identifiers: ClinVar variation 2437221 (VCV002437221.4), dbSNP rs945950148, ClinGen allele CA67980411.